The following is an entry in ClinVar:

NM_001042424.3(NSD2):c.4038dup (p.Lys1347fs)

Gene: NSD2 (nuclear receptor binding SET domain protein 2; plus strand). Cytogenetic location: 4p16.3.
Variant type: Duplication.
Coding change: c.4038dup on transcript NM_001042424.3 (MANE Select); coding-DNA position 4038, one base duplicated (G; older notation c.4038dupG).
Protein change: p.Lys1347fs; shifts the reading frame from lysine 1347.
Molecular consequence: frameshift variant.
Genome position (GRCh38, 1-based): chr4:1,978,849, G duplicated; the last of 3 consecutive G bases (chr4:1,978,847-1,978,849); duplicating any one gives the same sequence. VCF-style (leftmost placement, unchanged base first): chr4-1978846-A-AG. GRCh37 (hg19) VCF-style: chr4-1980573-A-AG.
Other names: c.4038dup, p.Lys1347fs (NM_133330.3, NM_133331.3, NM_133335.4); short protein forms K1347fs.
Identifiers: ClinVar variation 3361378 (VCV003361378.1).

ClinVar aggregate classification (germline): Uncertain significance (1 of 4 stars; one submission).

Submission:

GeneDx
Classification: Uncertain significance. Last evaluated: 2023-07-28. Review status: criteria provided, single submitter. Criteria: GeneDx Variant Classification Process June 2021. Collection method: clinical testing. Allele origin: germline. Affected: yes.
Comment: Not observed at significant frequency in large population cohorts (gnomAD); Frameshift variant predicted to result in abnormal protein length as the last 19 amino acids are replaced with 87 different amino acids; Has not been previously published as pathogenic or benign to our knowledge